The following is an entry in ClinVar:

ClinVar aggregate classification (germline): Uncertain significance (1 of 4 stars; one submission).

Allele frequency attached by ClinVar (database versions not stated): gnomAD exomes 0.00001.
gnomAD v4.1: 28 of 1,610,724 alleles (0.0017%); highest among the groups gnomAD compares: African/African-American, 0.011%; 1 homozygote.

Submission:

Labcorp Genetics (formerly Invitae), Labcorp
Classification: Uncertain significance. Last evaluated: 2022-06-10. Review status: criteria provided, single submitter. Criteria: Invitae Variant Classification Sherloc (09022015). Collection method: clinical testing. Allele origin: germline.
Comment: This sequence change falls in intron 8 of the TAF2 gene. It does not directly change the encoded amino acid sequence of the TAF2 protein. This variant is present in population databases (rs374604448, gnomAD no frequency). This variant has not been reported in the literature in individuals affected with TAF2-related conditions. Algorithms developed to predict the effect of sequence changes on RNA splicing suggest that this variant may create or strengthen a splice site. In summary, the available evidence is currently insufficient to determine the role of this variant in disease. Therefore, it has been classified as a Variant of Uncertain Significance.

NM_003184.4(TAF2):c.1092-12C>G

Gene: TAF2 (TATA-box binding protein associated factor 2; minus strand). Cytogenetic location: 8q24.12.
Variant type: single nucleotide variant.
Coding change: c.1092-12C>G on transcript NM_003184.4 (MANE Select); 12 bases into the intron before coding-DNA position 1092, C replaced by G.
Molecular consequence: intron variant.
Genome position (GRCh38, 1-based): chr8:119,795,643, G>C on the plus strand (C>G on the coding strand, the complement: TAF2 is on the minus strand). VCF-style: chr8-119795643-G-C. GRCh37 (hg19) VCF-style: chr8-120807883-G-C.
Identifiers: ClinVar variation 1907010 (VCV001907010.2), dbSNP rs374604448, ClinGen allele CA184338472.